The following is an entry in ClinVar:

ClinVar aggregate classification (germline): Uncertain significance (1 of 4 stars; one submission).

Submission:

Labcorp Genetics (formerly Invitae), Labcorp
Classification: Uncertain significance. Last evaluated: 2025-09-09. Review status: criteria provided, single submitter. Criteria: Invitae Variant Classification Sherloc (09022015). Collection method: clinical testing. Allele origin: germline.
Comment: This sequence change replaces alanine, which is neutral and non-polar, with serine, which is neutral and polar, at codon 108 of the CTNNA1 protein (p.Ala108Ser). This variant is not present in population databases (gnomAD no frequency). This variant has not been reported in the literature in individuals affected with CTNNA1-related conditions. Invitae Evidence Modeling of protein sequence and biophysical properties (such as structural, functional, and spatial information, amino acid conservation, physicochemical variation, residue mobility, and thermodynamic stability) indicates that this missense variant is not expected to disrupt CTNNA1 protein function with a negative predictive value of 80%. In summary, the available evidence is currently insufficient to determine the role of this variant in disease. Therefore, it has been classified as a Variant of Uncertain Significance.

NM_001903.5(CTNNA1):c.322G>T (p.Ala108Ser)

Gene: CTNNA1 (catenin alpha 1; plus strand). Cytogenetic location: 5q31.2.
Variant type: single nucleotide variant.
Coding change: c.322G>T on transcript NM_001903.5 (MANE Select); coding-DNA position 322, G replaced by T.
Protein change: p.Ala108Ser; replaces alanine 108 with serine.
Molecular consequence: missense variant. On other transcripts: intron variant (1).
Genome position (GRCh38, 1-based): chr5:138,810,058, G>T. VCF-style: chr5-138810058-G-T. GRCh37 (hg19) VCF-style: chr5-138145747-G-T.
Other names: c.322G>T, p.Ala108Ser (NM_001290307.3, NM_001323982.2, NM_001323983.1 and 3 more transcripts); c.13G>T, p.Ala5Ser (NM_001290309.3); c.-5-43G>T (NM_001290310.3); short protein forms A108S, A5S.
Identifiers: ClinVar variation 4771471 (VCV004771471.1).
Genomic context (GRCh38, chr5:138,810,058, plus strand): 5'-GTTCATTCTTGCTGAGTTTGTTTTTCATTCTGTAAAACAGGTGATTTGATGAAGGCTGCT[G>T]CAGGAGAGTTCGCAGATGATCCCTGCTCTTCTGTGAAGCGAGGCAACATGGTTCGGGCAG-3'
Protein context (NP_001894.2, residues 98-118): RKQGDLMKAA[Ala108Ser]GEFADDPCSS